The following is an entry in ClinVar:

NM_000059.4(BRCA2):c.3809T>C (p.Val1270Ala)

Gene: BRCA2 (BRCA2 DNA repair associated; plus strand). Cytogenetic location: 13q13.1.
Variant type: single nucleotide variant.
Coding change: c.3809T>C on transcript NM_000059.4 (MANE Select); coding-DNA position 3809, T replaced by C.
Protein change: p.Val1270Ala; replaces valine 1270 with alanine.
Molecular consequence: missense variant.
Genome position (GRCh38, 1-based): chr13:32,338,164, T>C. VCF-style: chr13-32338164-T-C. GRCh37 (hg19) VCF-style: chr13-32912301-T-C.
Other names: short protein forms V1270A.
Identifiers: ClinVar variation 531363 (VCV000531363.14), dbSNP rs1555283403, ClinGen allele CA387778444.

ClinVar aggregate classification (germline): Conflicting classifications of pathogenicity. Review status: criteria provided, conflicting classifications (1 of 4 stars). 3 submissions from 3 submitters: Uncertain significance (2); Likely benign (1). Last evaluated 2023-07-27.

Conditions:
Hereditary cancer-predisposing syndrome. Also called: Hereditary neoplastic syndrome; Neoplastic Syndromes, Hereditary; Tumor predisposition; Hereditary Cancer Syndrome. Identifiers: Orphanet 140162, MedGen C0027672, MeSH D009386, MONDO:0015356.
Hereditary breast ovarian cancer syndrome. Also called: Hereditary breast and ovarian cancer syndrome (HBOC); BRCA1- and BRCA2-Associated Hereditary Breast and Ovarian Cancer; Hereditary breast and ovarian cancer syndrome; Breast and ovarian cancer; Hereditary breast and ovarian cancer; Hereditary breast and/or ovarian cancer syndrome. Identifiers: Orphanet 145, MedGen C0677776, MeSH D061325, MONDO:0003582. Disease mechanism: loss of function.

Submissions (3):

Ambry Genetics
Classification: Uncertain significance for Hereditary cancer-predisposing syndrome. Last evaluated: 2023-07-27. Review status: criteria provided, single submitter. Criteria: Ambry Variant Classification Scheme 2023. Collection method: clinical testing. Allele origin: germline.
Comment: The p.V1270A variant (also known as c.3809T>C), located in coding exon 10 of the BRCA2 gene, results from a T to C substitution at nucleotide position 3809. The valine at codon 1270 is replaced by alanine, an amino acid with similar properties. This amino acid position is conserved. In addition, this alteration is predicted to be tolerated by in silico analysis. Since supporting evidence is limited at this time, the clinical significance of this alteration remains unclear.

University of Washington Department of Laboratory Medicine, University of Washington
Classification: Likely benign for Hereditary cancer-predisposing syndrome. Last evaluated: 2023-03-23. Review status: criteria provided, single submitter. Criteria: Dines et al. (Genet Med. 2020). Collection method: curation. Allele origin: germline.
Comment: Missense variant in a coldspot region where missense variants are very unlikely to be pathogenic (PMID:31911673).

BRCA2 exon 11 coldspot. Reclassification based on statistical prior probability.

Labcorp Genetics (formerly Invitae), Labcorp
Classification: Uncertain significance for Hereditary breast ovarian cancer syndrome. Last evaluated: 2019-06-04. Review status: criteria provided, single submitter. Criteria: Invitae Variant Classification Sherloc (09022015). Collection method: clinical testing. Allele origin: germline.
Comment: This sequence change replaces valine with alanine at codon 1270 of the BRCA2 protein (p.Val1270Ala). The valine residue is weakly conserved and there is a small physicochemical difference between valine and alanine. This variant is not present in population databases (ExAC no frequency). This variant has not been reported in the literature in individuals with BRCA2-related disease. Algorithms developed to predict the effect of missense changes on protein structure and function output the following: SIFT: "Tolerated"; PolyPhen-2: "Benign"; Align-GVGD: "Class C0". The alanine amino acid residue is found in multiple mammalian species, suggesting that this missense change does not adversely affect protein function. These predictions have not been confirmed by published functional studies and their clinical significance is uncertain. In summary, the available evidence is currently insufficient to determine the role of this variant in disease. Therefore, it has been classified as a Variant of Uncertain Significance.